The following is an entry in ClinVar:

ClinVar aggregate classification (germline): Uncertain significance (1 of 4 stars; one submission).

Conditions:
Hereditary cancer-predisposing syndrome. Also called: Neoplastic Syndromes, Hereditary; Hereditary neoplastic syndrome; Tumor predisposition; Hereditary Cancer Syndrome. Identifiers: Orphanet 140162, MedGen C0027672, MeSH D009386, MONDO:0015356.

Submission:

Ambry Genetics
Classification: Uncertain significance for Hereditary cancer-predisposing syndrome. Last evaluated: 2026-02-14. Review status: criteria provided, single submitter. Criteria: Ambry Variant Classification Scheme 2023. Collection method: clinical testing. Allele origin: germline.
Comment: The p.A163V variant (also known as c.488C>T), located in coding exon 3 of the FLCN gene, results from a C to T substitution at nucleotide position 488. The alanine at codon 163 is replaced by valine, an amino acid with similar properties. This amino acid position is conserved. In addition, this alteration is predicted to be deleterious by in silico analysis. Based on the available evidence, the clinical significance of this variant remains unclear.

NM_144997.7(FLCN):c.488C>T (p.Ala163Val)

Gene: FLCN (folliculin; minus strand). Cytogenetic location: 17p11.2.
Variant type: single nucleotide variant.
Coding change: c.488C>T on transcript NM_144997.7 (MANE Select); coding-DNA position 488, C replaced by T.
Protein change: p.Ala163Val; replaces alanine 163 with valine.
Molecular consequence: missense variant.
Genome position (GRCh38, 1-based): chr17:17,224,052, G>A on the plus strand (C>T on the coding strand, the complement: FLCN is on the minus strand). VCF-style: chr17-17224052-G-A. GRCh37 (hg19) VCF-style: chr17-17127366-G-A.
Other names: c.542C>T, p.Ala181Val (NM_001353229.2); c.488C>T, p.Ala163Val (NM_001353230.2, NM_001353231.2, NM_144606.7); short protein forms A181V, A163V.
Identifiers: ClinVar variation 4824723 (VCV004824723.1).
Genomic context (GRCh38, chr17:17,224,052, plus strand): 5'-ATGAGGTAGATCCGGTCCATCATGATGGTGATGATGCTGTACCAGCGCTGGAAGCCCCTG[G>A]CCAGGCTGTCCTTGATGAAGAAGGTGTGGCTGAACACAAAGCCGTGCTGCTCATCTCCGA-3'
Protein context (NP_659434.2, residues 153-173): SHTFFIKDSL[Ala163Val]RGFQRWYSII